The following is an entry in ClinVar:

ClinVar aggregate classification (germline): Uncertain significance (1 of 4 stars; one submission).

Submission:

GeneDx
Classification: Uncertain significance. Last evaluated: 2025-06-05. Review status: criteria provided, single submitter. Criteria: GeneDx Variant Classification Process June 2021. Collection method: clinical testing. Allele origin: germline. Affected: yes.
Comment: Not observed at significant frequency in large population cohorts (gnomAD); In silico analysis supports that this missense variant has a deleterious effect on protein structure/function; Has not been previously published as pathogenic or benign to our knowledge

NM_001348323.3(TRIP12):c.5594T>C (p.Leu1865Pro)

Gene: TRIP12 (thyroid hormone receptor interactor 12; minus strand). Cytogenetic location: 2q36.3.
Variant type: single nucleotide variant.
Coding change: c.5594T>C on transcript NM_001348323.3 (MANE Select); coding-DNA position 5594, T replaced by C.
Protein change: p.Leu1865Pro; replaces leucine 1865 with proline.
Molecular consequence: missense variant.
Genome position (GRCh38, 1-based): chr2:229,774,197, A>G on the plus strand (T>C on the coding strand, the complement: TRIP12 is on the minus strand). VCF-style: chr2-229774197-A-G. GRCh37 (hg19) VCF-style: chr2-230638913-A-G.
Other names: c.5579T>C, p.Leu1860Pro (NM_001348320.2, NM_001348319.1); c.5582T>C, p.Leu1861Pro (NM_001348321.1); c.5594T>C, p.Leu1865Pro (NM_001348322.1, NM_001348324.2, NM_001348325.2 and 2 more transcripts); c.5453T>C, p.Leu1818Pro (NM_001348317.1, NM_001348318.2); c.5513T>C, p.Leu1838Pro (NM_001284214.2, NM_001348315.2); c.5468T>C, p.Leu1823Pro (NM_001284215.2, NM_001348316.2); c.4559T>C, p.Leu1520Pro (NM_001284216.2); c.5597T>C, p.Leu1866Pro (NM_001348328.1, NM_001348329.2, NM_001348330.2); and 4 more; short protein forms L1520P, L1790P, L1791P, L1818P, L1823P, L1831P, L1838P, L1839P.
Identifiers: ClinVar variation 4536579 (VCV004536579.1).